The following is an entry in ClinVar:

NM_016277.5(RAB23):c.145C>T (p.Arg49Ter)

Gene: RAB23 (RAB23, member RAS oncogene family; minus strand). Cytogenetic location: 6p11.2.
Variant type: single nucleotide variant.
Coding change: c.145C>T on transcript NM_016277.5 (MANE Select); coding-DNA position 145, C replaced by T.
Protein change: p.Arg49Ter; replaces arginine 49 with a stop codon.
Molecular consequence: nonsense. On other transcripts: non-coding transcript variant (1).
Genome position (GRCh38, 1-based): chr6:57,210,236, G>A on the plus strand (C>T on the coding strand, the complement: RAB23 is on the minus strand). VCF-style: chr6-57210236-G-A. GRCh37 (hg19) VCF-style: chr6-57075034-G-A.
Other names: c.145C>T, p.Arg49Ter (NM_001278666.2, NM_001278667.2, NM_001278668.2 and 1 more transcripts); short protein forms R49*.
Identifiers: ClinVar variation 1073623 (VCV001073623.10), dbSNP rs1049674573, ClinGen allele CA139738086.
Genomic context (GRCh38, chr6:57,210,236, plus strand): 5'-GATATAGTTCACAAATCAAAGCCAAAGGAATAAAATGGCCAAGTACTTACTGAATTTGTC[G>A]CTCCAAAAAATCAACTCCAATGGTTTTCTTGTAGTCTTTTGTAAAAATGCCTTTGCAATA-3'

ClinVar aggregate classification (germline): Pathogenic/Likely pathogenic. Review status: criteria provided, multiple submitters, no conflicts (2 of 4 stars). 4 submissions from 4 submitters: Pathogenic (2); Likely pathogenic (2). Last evaluated 2024-11-12.

Conditions:
Carpenter syndrome. Identifiers: Orphanet 65759, MedGen C1275078, MONDO:0019012.
RAB23-related Carpenter syndrome. Also called: ACPS II; Carpenter syndrome 1. Identifiers: Orphanet 65759, MedGen C4551510, MONDO:0008710, OMIM 201000.

Allele frequency attached by ClinVar (database versions not stated): gnomAD 0.00001; gnomAD exomes 0.00001.
gnomAD v4.1: 11 of 1,613,728 alleles (0.00068%); highest among the groups gnomAD compares: East Asian, 0.0045%; no homozygotes.

Submissions (4):

Natera, Inc.
Classification: Likely pathogenic for Carpenter syndrome 1. Last evaluated: 2024-11-12. Review status: criteria provided, single submitter. Criteria: Natera Variant Classification Schema (03/2026). Collection method: clinical testing. Allele origin: germline.
Comment: The c.145C>T variant in RAB23 is a nonsense variant predicted to introduce a stop codon at amino acid 49. This variant is expected to result in nonsense mediated decay, truncation, or a dysfunctional protein product. This variant is rare in the general population with a frequency below the threshold expected for the associated phenotype(s). Given the available evidence, this variant is classified as Likely Pathogenic.

Women's Health and Genetics/Laboratory Corporation of America, LabCorp
Classification: Likely pathogenic for Carpenter syndrome. Last evaluated: 2022-06-28. Review status: criteria provided, single submitter. Criteria: LabCorp Variant Classification Summary - May 2015. Collection method: clinical testing. Allele origin: germline.
Comment: Variant summary: RAB23 c.145C>T (p.Arg49X) results in a premature termination codon, predicted to cause a truncation of the encoded protein or absence of the protein due to nonsense mediated decay, which are commonly known mechanisms for disease. Truncations downstream of this position have been classified as pathogenic within ClinVar (e.g. c.434T>A [p.Leu145Ter]). The variant allele was found at a frequency of 8e-06 in 251286 control chromosomes (gnomAD). To our knowledge, no occurrence of c.145C>T in individuals affected with Carpenter Syndrome - Type 1 and no experimental evidence demonstrating its impact on protein function have been reported. One ClinVar submitter has assessed the variant since 2014: the varianta was classified as pathogenic. Based on the evidence outlined above, the variant was classified as likely pathogenic.

Labcorp Genetics (formerly Invitae), Labcorp
Classification: Pathogenic for Carpenter syndrome. Last evaluated: 2022-01-05. Review status: criteria provided, single submitter. Criteria: Invitae Variant Classification Sherloc (09022015). Collection method: clinical testing. Allele origin: germline.
Comment: For these reasons, this variant has been classified as Pathogenic. ClinVar contains an entry for this variant (Variation ID: 1073623). This variant has not been reported in the literature in individuals affected with RAB23-related conditions. This variant is present in population databases (no rsID available, gnomAD 0.006%). This sequence change creates a premature translational stop signal (p.Arg49*) in the RAB23 gene. It is expected to result in an absent or disrupted protein product. Loss-of-function variants in RAB23 are known to be pathogenic (PMID: 17503333, 21412941).

Kariminejad - Najmabadi Pathology & Genetics Center
Classification: Pathogenic for RAB23-related Carpenter syndrome. Review status: criteria provided, single submitter. Criteria: ACMG Guidelines, 2015. Collection method: clinical testing. Allele origin: germline. Affected: no.

Literature cited by the submitters: PubMed 17503333 (cited by Labcorp Genetics (formerly Invitae), Labcorp); PubMed 21412941 (cited by Labcorp Genetics (formerly Invitae), Labcorp).